The following is an entry in ClinVar:

NM_000124.4(ERCC6):c.2791A>C (p.Ile931Leu)

Genes: ERCC6 (ERCC excision repair 6, chromatin remodeling factor; minus strand), LOC126860933 (BRD4-independent group 4 enhancer GRCh37_chr10:50679962-50681161; plus strand). Cytogenetic location: 10q11.23.
Variant type: single nucleotide variant.
Coding change: c.2791A>C on transcript NM_000124.4 (MANE Select); coding-DNA position 2791, A replaced by C.
Protein change: p.Ile931Leu; replaces isoleucine 931 with leucine.
Molecular consequence: missense variant.
Genome position (GRCh38, 1-based): chr10:49,472,947, T>G on the plus strand (A>C on the coding strand, the complement: ERCC6 is on the minus strand). VCF-style: chr10-49472947-T-G. GRCh37 (hg19) VCF-style: chr10-50680993-T-G.
Other names: c.2791A>C, p.Ile931Leu (NM_001346440.2); c.2791A>C (NM_000124.2); short protein forms I931L.
Identifiers: ClinVar variation 1381559 (VCV001381559.6), dbSNP rs776817300, ClinGen allele CA5495533.
Genomic context (GRCh38, chr10:49,472,947, plus strand): 5'-TAAAAAAAAAATAAAAACAAACCTGCGTGTCCGTGCTTGGGTTCCAGTCTGGGTCATAGA[T>G]GACAACTCTGTTTGCCCCCGTCAGGTTGACACCTAAGCCGCCCACCCGCGTGGTCAGAAG-3'
Protein context (NP_000115.1, residues 921-941): VNLTGANRVV[Ile931Leu]YDPDWNPSTD

ClinVar aggregate classification (germline): Uncertain significance. Review status: criteria provided, multiple submitters, no conflicts (2 of 4 stars). 2 submissions from 2 submitters: Uncertain significance (2). Last evaluated 2022-10-17.

Conditions:
Inborn genetic diseases. Identifiers: MedGen C0950123, MeSH D030342.

Allele frequency attached by ClinVar (database versions not stated): TOPMed below 0.00001; ExAC 0.00001.
gnomAD v4.1: 29 of 1,613,790 alleles (0.0018%); highest among the groups gnomAD compares: Non-Finnish European, 0.0025%; no homozygotes.

Submissions (2):

Labcorp Genetics (formerly Invitae), Labcorp
Classification: Uncertain significance. Last evaluated: 2022-10-17. Review status: criteria provided, single submitter. Criteria: Invitae Variant Classification Sherloc (09022015). Collection method: clinical testing. Allele origin: germline.
Comment: This sequence change replaces isoleucine, which is neutral and non-polar, with leucine, which is neutral and non-polar, at codon 931 of the ERCC6 protein (p.Ile931Leu). This variant is present in population databases (rs776817300, gnomAD 0.0009%). This variant has not been reported in the literature in individuals affected with ERCC6-related conditions. ClinVar contains an entry for this variant (Variation ID: 1381559). Advanced modeling of protein sequence and biophysical properties (such as structural, functional, and spatial information, amino acid conservation, physicochemical variation, residue mobility, and thermodynamic stability) performed at Invitae indicates that this missense variant is not expected to disrupt ERCC6 protein function. In summary, the available evidence is currently insufficient to determine the role of this variant in disease. Therefore, it has been classified as a Variant of Uncertain Significance.

Ambry Genetics
Classification: Uncertain significance for Inborn genetic diseases. Last evaluated: 2022-01-19. Review status: criteria provided, single submitter. Criteria: Ambry Variant Classification Scheme 2023. Collection method: clinical testing. Allele origin: germline.